The following is an entry in ClinVar:

NM_004974.4(KCNA2):c.*9361G>A

Gene: KCNA2 (potassium voltage-gated channel subfamily A member 2; minus strand). Cytogenetic location: 1p13.3.
Variant type: single nucleotide variant.
Coding change: c.*9361G>A on transcript NM_004974.4 (MANE Select); 9361 bases downstream of the stop codon, G replaced by A.
Molecular consequence: 3 prime UTR variant. On other transcripts: missense variant (1).
Genome position (GRCh38, 1-based): chr1:110,593,922, C>T on the plus strand (G>A on the coding strand, the complement: KCNA2 is on the minus strand). VCF-style: chr1-110593922-C-T. GRCh37 (hg19) VCF-style: chr1-111136544-C-T.
Other names: c.1042G>A, p.Ala348Thr (NM_001204269.2); short protein forms A348T.
Identifiers: ClinVar variation 1712289 (VCV001712289.1), dbSNP rs1570742912, ClinGen allele CA341597991.

ClinVar aggregate classification (germline): Uncertain significance (1 of 4 stars; one submission).

Conditions:
Developmental and epileptic encephalopathy, 32 (DEE32). Also called: Epileptic encephalopathy, early infantile, 32. Identifiers: Orphanet 442835, MedGen C4225350, MONDO:0014607, OMIM 616366.

Allele frequency attached by ClinVar (database versions not stated): gnomAD exomes below 0.00001.
gnomAD v4.1: 2 of 1,549,750 alleles (0.00013%); highest among the groups gnomAD compares: African/African-American, 0.0014%; no homozygotes.

Submission:

UNC Molecular Genetics  Laboratory, University of North Carolina at Chapel Hill
Classification: Uncertain significance for Developmental and epileptic encephalopathy, 32. Last evaluated: 2021-06-29. Review status: criteria provided, single submitter. Criteria: ACMG Guidelines, 2015. Collection method: research. Allele origin: unknown. Observed: 1 variant allele. Study: CSER_NCGENES_2.
Comment: The KCNA2 c.1042G>A p.(Ala348Thr) missense variant is predicted to change a single amino acid in the encoded protein from an alanine to a threonine. To our knowledge, this variant has not been previously reported in affected individuals. This variant is absent from gnomAD. Computational predictions and conservation analyses provide conflicting expectations regarding an impact to protein function. This gene encodes multiple transcript isoforms. This variant uniquely impacts the transcript NM_001204269.2, which is different from the canonical transcript isoform, NM_004974.4. Both transcripts appear to be expressed in nervous system tissue in the Genotype-Tissue Expression Project. Given the available evidence, this variant is classified a variant of uncertain significance.